The following is an entry in ClinVar:

NM_017636.4(TRPM4):c.2767G>A (p.Val923Met)

Gene: TRPM4 (transient receptor potential cation channel subfamily M member 4; plus strand). Cytogenetic location: 19q13.33.
Variant type: single nucleotide variant.
Coding change: c.2767G>A on transcript NM_017636.4 (MANE Select); coding-DNA position 2767, G replaced by A.
Protein change: p.Val923Met; replaces valine 923 with methionine.
Molecular consequence: missense variant.
Genome position (GRCh38, 1-based): chr19:49,200,421, G>A. VCF-style: chr19-49200421-G-A. GRCh37 (hg19) VCF-style: chr19-49703678-G-A.
Other names: c.2332G>A, p.Val778Met (NM_001195227.2); c.2422G>A, p.Val808Met (NM_001321281.2); c.1159G>A, p.Val387Met (NM_001321282.2); c.2245G>A, p.Val749Met (NM_001321283.2); c.1705G>A, p.Val569Met (NM_001321285.2); short protein forms V569M, V808M, V923M, V749M, V387M, V778M.
Identifiers: ClinVar variation 840837 (VCV000840837.12), dbSNP rs759518981, ClinGen allele CA9569643.

ClinVar aggregate classification (germline): Conflicting classifications of pathogenicity. Review status: criteria provided, conflicting classifications (1 of 4 stars). 5 submissions from 5 submitters: Uncertain significance (3); Likely benign (2). Last evaluated 2025-11-24.

Conditions:
Cardiovascular phenotype. Identifiers: MedGen CN230736.
Progressive familial heart block type IB (PFHB1B). Identifiers: Orphanet 871, MedGen C1970298, MONDO:0011474, OMIM 604559.

Allele frequency attached by ClinVar (database versions not stated): TOPMed 0.00104.

Submissions (5):

Labcorp Genetics (formerly Invitae), Labcorp
Classification: Uncertain significance for Progressive familial heart block type IB. Last evaluated: 2025-11-24. Review status: criteria provided, single submitter. Criteria: Invitae Variant Classification Sherloc (09022015). Collection method: clinical testing. Allele origin: germline.
Comment: This sequence change replaces valine, which is neutral and non-polar, with methionine, which is neutral and non-polar, at codon 923 of the TRPM4 protein (p.Val923Met). This variant is present in population databases (rs759518981, gnomAD 0.009%). This variant has not been reported in the literature in individuals affected with TRPM4-related conditions. ClinVar contains an entry for this variant (Variation ID: 840837). An algorithm developed to predict the effect of missense changes on protein structure and function (PolyPhen-2) suggests that this variant is likely to be disruptive. In summary, the available evidence is currently insufficient to determine the role of this variant in disease. Therefore, it has been classified as a Variant of Uncertain Significance.

Molecular Diagnostic Laboratory for Inherited Cardiovascular Disease, Montreal Heart Institute
Classification: Likely benign. Last evaluated: 2025-04-09. Review status: criteria provided, single submitter. Criteria: ACMG Guidelines, 2015. Collection method: clinical testing. Allele origin: germline. Affected: no.
Comment: BS1

Blueprint Genetics
Classification: Likely benign. Last evaluated: 2024-03-26. Review status: criteria provided, single submitter. Criteria: ACMG Guidelines, 2015. Collection method: clinical testing. Allele origin: germline.

Ambry Genetics
Classification: Uncertain significance for Cardiovascular phenotype. Last evaluated: 2023-12-21. Review status: criteria provided, single submitter. Criteria: Ambry Variant Classification Scheme 2023. Collection method: clinical testing. Allele origin: germline.
Comment: The p.V923M variant (also known as c.2767G>A), located in coding exon 18 of the TRPM4 gene, results from a G to A substitution at nucleotide position 2767. The valine at codon 923 is replaced by methionine, an amino acid with highly similar properties. This amino acid position is conserved. In addition, this alteration is predicted to be deleterious by in silico analysis. Since supporting evidence is limited at this time, the clinical significance of this alteration remains unclear.

Breakthrough Genomics
Classification: Uncertain significance. Review status: criteria provided, single submitter. Criteria: ACMG Guidelines, 2015. Collection method: not provided. Allele origin: germline. Inheritance: Autosomal dominant inheritance. Affected: yes.